The following is an entry in ClinVar:

ClinVar aggregate classification (germline): Uncertain significance (1 of 4 stars; one submission).

gnomAD v4.1: 4 of 1,614,082 alleles (0.00025%); highest among the groups gnomAD compares: Non-Finnish European, 0.00034%; no homozygotes.

Submission:

Labcorp Genetics (formerly Invitae), Labcorp
Classification: Uncertain significance. Last evaluated: 2026-01-23. Review status: criteria provided, single submitter. Criteria: Invitae Variant Classification Sherloc (09022015). Collection method: clinical testing. Allele origin: germline.
Comment: This sequence change replaces leucine, which is neutral and non-polar, with proline, which is neutral and non-polar, at codon 461 of the C3 protein (p.Leu461Pro). This variant is not present in population databases (gnomAD no frequency). This variant has not been reported in the literature in individuals affected with C3-related conditions. Invitae Evidence Modeling of protein sequence and biophysical properties (such as structural, functional, and spatial information, amino acid conservation, physicochemical variation, residue mobility, and thermodynamic stability) indicates that this missense variant is not expected to disrupt C3 protein function with a negative predictive value of 80%. In summary, the available evidence is currently insufficient to determine the role of this variant in disease. Therefore, it has been classified as a Variant of Uncertain Significance.

NM_000064.4(C3):c.1382T>C (p.Leu461Pro)

Gene: C3 (complement C3; minus strand). Cytogenetic location: 19p13.3.
Variant type: single nucleotide variant.
Coding change: c.1382T>C on transcript NM_000064.4 (MANE Select); coding-DNA position 1382, T replaced by C.
Protein change: p.Leu461Pro; replaces leucine 461 with proline.
Molecular consequence: missense variant.
Genome position (GRCh38, 1-based): chr19:6,711,084, A>G on the plus strand (T>C on the coding strand, the complement: C3 is on the minus strand). VCF-style: chr19-6711084-A-G. GRCh37 (hg19) VCF-style: chr19-6711095-A-G.
Other names: short protein forms L461P.
Identifiers: ClinVar variation 4692340 (VCV004692340.1).